The following is an entry in ClinVar:

ClinVar aggregate classification (germline): Pathogenic (1 of 4 stars; one submission).

Conditions:
Early-infantile DEE. Also called: Early infantile epileptic encephalopathy; Ohtahara syndrome; Early infantile epileptic encephalopathy with suppression bursts. Identifiers: Orphanet 1934, MedGen C0393706, MONDO:0800491.

Submission:

Labcorp Genetics (formerly Invitae), Labcorp
Classification: Pathogenic for Early-infantile DEE. Last evaluated: 2023-08-04. Review status: criteria provided, single submitter. Criteria: Invitae Variant Classification Sherloc (09022015). Collection method: clinical testing. Allele origin: germline.
Comment: For these reasons, this variant has been classified as Pathogenic. ClinVar contains an entry for this variant (Variation ID: 1417669). This premature translational stop signal has been observed in individual(s) with SCN1A-related conditions (PMID: 29655203). This variant is not present in population databases (gnomAD no frequency). This sequence change creates a premature translational stop signal (p.Trp314*) in the SCN1A gene. It is expected to result in an absent or disrupted protein product. Loss-of-function variants in SCN1A are known to be pathogenic (PMID: 17347258, 18930999).

Literature cited by the submitters: PubMed 29655203; PubMed 17347258; PubMed 18930999.

NM_001165963.4(SCN1A):c.942G>A (p.Trp314Ter)

Gene: SCN1A (sodium voltage-gated channel alpha subunit 1; minus strand). Cytogenetic location: 2q24.3.
Variant type: single nucleotide variant.
Coding change: c.942G>A on transcript NM_001165963.4 (MANE Select); coding-DNA position 942, G replaced by A.
Protein change: p.Trp314Ter; replaces tryptophan 314 with a stop codon.
Molecular consequence: nonsense. On other transcripts: 5 prime UTR variant (1), non-coding transcript variant (1).
Genome position (GRCh38, 1-based): chr2:166,051,741, C>T on the plus strand (G>A on the coding strand, the complement: SCN1A is on the minus strand). VCF-style: chr2-166051741-C-T. GRCh37 (hg19) VCF-style: chr2-166908251-C-T.
Other names: c.942G>A, p.Trp314Ter (NM_001165964.3, NM_001202435.3, NM_001353948.2 and 10 more transcripts); c.-1484G>A (NM_001353961.2); short protein forms W314*.
Identifiers: ClinVar variation 1417669 (VCV001417669.7), dbSNP rs1553549471, ClinGen allele CA349072517.